The following is an entry in ClinVar:

ClinVar aggregate classification (germline): Uncertain significance. Review status: criteria provided, multiple submitters, no conflicts (2 of 4 stars). 2 submissions from 2 submitters: Uncertain significance (2). Last evaluated 2023-10-25.

Conditions:
Cardiovascular phenotype. Identifiers: MedGen CN230736.

Allele frequency attached by ClinVar (database versions not stated): TOPMed 0.00002; ESP Exome Variant Server 0.00008.

Submissions (2):

Ambry Genetics
Classification: Uncertain significance for Cardiovascular phenotype. Last evaluated: 2023-10-25. Review status: criteria provided, single submitter. Criteria: Ambry Variant Classification Scheme 2023. Collection method: clinical testing. Allele origin: germline.
Comment: The p.G374V variant (also known as c.1121G>T), located in coding exon 2 of the KCNJ5 gene, results from a G to T substitution at nucleotide position 1121. The glycine at codon 374 is replaced by valine, an amino acid with dissimilar properties. This amino acid position is not well conserved in available vertebrate species. In addition, the in silico prediction for this alteration is inconclusive. Since supporting evidence is limited at this time, the clinical significance of this alteration remains unclear.

GeneDx
Classification: Uncertain significance. Last evaluated: 2017-02-15. Review status: criteria provided, single submitter. Criteria: GeneDx Variant Classification (06012015). Collection method: clinical testing. Allele origin: germline. Affected: yes.
Comment: A variant of uncertain significance has been identified in the KCNJ5 gene. The G374V variant has not been published as pathogenic or been reported as benign to our knowledge. This variant is not observed at a significant frequency in large population cohorts (Lek et al., 2016; 1000 Genomes Consortium et al., 2015; Exome Variant Server). This substitution occurs at a position that is conserved in mammals. However, the G374V variant is a conservative amino acid substitution, which is not likely to impact secondary protein structure as these residues share similar properties. Furthermore, in silico analysis is inconsistent in its predictions as to whether or not the variant is damaging to the protein structure/function.

NM_000890.5(KCNJ5):c.1121G>T (p.Gly374Val)

Gene: KCNJ5 (potassium inwardly rectifying channel subfamily J member 5; plus strand). Cytogenetic location: 11q24.3.
Variant type: single nucleotide variant.
Coding change: c.1121G>T on transcript NM_000890.5 (MANE Select); coding-DNA position 1121, G replaced by T.
Protein change: p.Gly374Val; replaces glycine 374 with valine.
Molecular consequence: missense variant.
Genome position (GRCh38, 1-based): chr11:128,916,592, G>T. VCF-style: chr11-128916592-G-T. GRCh37 (hg19) VCF-style: chr11-128786487-G-T.
Other names: c.1121G>T, p.Gly374Val (NM_001354169.2); c.1121G>T (LRG_333t1); short protein forms G374V.
Identifiers: ClinVar variation 423691 (VCV000423691.3), dbSNP rs147680683, ClinGen allele CA6357998.
Genomic context (GRCh38, chr11:128,916,592, plus strand): 5'-CCTATGAGACCAACACACCCAGCTGCTGTGCCAAGGAGCTGGCAGAAATGAAGAGGGAAG[G>T]CCGGCTCCTCCAGTACCTCCCCAGCCCCCCACTGCTGGGGGGCTGTGCTGAGGCAGGGCT-3'
Protein context (NP_000881.3, residues 364-384): AKELAEMKRE[Gly374Val]RLLQYLPSPP